The following is an entry in ClinVar:

NM_000350.3(ABCA4):c.3860C>T (p.Ala1287Val)

Genes: ABCA4 (ATP binding cassette subfamily A member 4; minus strand), LOC126805794 (BRD4-independent group 4 enhancer GRCh37_chr1:94502188-94503387; plus strand). Cytogenetic location: 1p22.1.
Variant type: single nucleotide variant.
Coding change: c.3860C>T on transcript NM_000350.3 (MANE Select); coding-DNA position 3860, C replaced by T.
Protein change: p.Ala1287Val; replaces alanine 1287 with valine.
Molecular consequence: missense variant.
Genome position (GRCh38, 1-based): chr1:94,036,742, G>A on the plus strand (C>T on the coding strand, the complement: ABCA4 is on the minus strand). VCF-style: chr1-94036742-G-A. GRCh37 (hg19) VCF-style: chr1-94502298-G-A.
Other names: c.3638C>T, p.Ala1213Val (NM_001425324.1); short protein forms A1287V, A1213V.
Identifiers: ClinVar variation 1387531 (VCV001387531.6), dbSNP rs200439056, ClinGen allele CA957808.

ClinVar aggregate classification (germline): Uncertain significance. Review status: criteria provided, multiple submitters, no conflicts (2 of 4 stars). 2 submissions from 2 submitters: Uncertain significance (2). Last evaluated 2024-02-16.

Conditions:
Inborn genetic diseases. Identifiers: MedGen C0950123, MeSH D030342.

Allele frequency attached by ClinVar (database versions not stated): TOPMed 0.00001.
gnomAD v4.1: 5 of 1,613,896 alleles (0.00031%); highest among the groups gnomAD compares: Non-Finnish European, 0.00042%; no homozygotes.

Submissions (2):

Labcorp Genetics (formerly Invitae), Labcorp
Classification: Uncertain significance. Last evaluated: 2024-02-16. Review status: criteria provided, single submitter. Criteria: Invitae Variant Classification Sherloc (09022015). Collection method: clinical testing. Allele origin: germline.
Comment: This sequence change replaces alanine, which is neutral and non-polar, with valine, which is neutral and non-polar, at codon 1287 of the ABCA4 protein (p.Ala1287Val). This variant is present in population databases (rs200439056, gnomAD 0.006%). This variant has not been reported in the literature in individuals affected with ABCA4-related conditions. ClinVar contains an entry for this variant (Variation ID: 1387531). Algorithms developed to predict the effect of missense changes on protein structure and function output the following: SIFT: "Not Available"; PolyPhen-2: "Benign"; Align-GVGD: "Not Available". The valine amino acid residue is found in multiple mammalian species, which suggests that this missense change does not adversely affect protein function. Algorithms developed to predict the effect of sequence changes on RNA splicing suggest that this variant may disrupt the consensus splice site. In summary, the available evidence is currently insufficient to determine the role of this variant in disease. Therefore, it has been classified as a Variant of Uncertain Significance.

Ambry Genetics
Classification: Uncertain significance for Inborn genetic diseases. Last evaluated: 2022-09-29. Review status: criteria provided, single submitter. Criteria: Ambry Variant Classification Scheme 2023. Collection method: clinical testing. Allele origin: germline.